The following is an entry in ClinVar:

ClinVar aggregate classification (germline): Uncertain significance (1 of 4 stars; one submission).

Allele frequency attached by ClinVar (database versions not stated): gnomAD 0.00001.
gnomAD v4.1: 1 of 1,610,602 alleles (0.000062%); highest among the groups gnomAD compares: South Asian, 0.0011%; no homozygotes.

Submission:

Ambry Genetics
Classification: Uncertain significance. Last evaluated: 2024-11-10. Review status: criteria provided, single submitter. Criteria: Ambry Variant Classification Scheme 2023. Collection method: clinical testing. Allele origin: germline.
Comment: The p.V1690M variant (also known as c.5068G>A), located in coding exon 16 of the POLQ gene, results from a G to A substitution at nucleotide position 5068. The valine at codon 1690 is replaced by methionine, an amino acid with highly similar properties. This amino acid position is conserved. In addition, this alteration is predicted to be tolerated by in silico analysis. Since supporting evidence is limited at this time, the clinical significance of this alteration remains unclear.

NM_199420.4(POLQ):c.5068G>A (p.Val1690Met)

Gene: POLQ (DNA polymerase theta; minus strand). Cytogenetic location: 3q13.33.
Variant type: single nucleotide variant.
Coding change: c.5068G>A on transcript NM_199420.4 (MANE Select); coding-DNA position 5068, G replaced by A.
Protein change: p.Val1690Met; replaces valine 1690 with methionine.
Molecular consequence: missense variant.
Genome position (GRCh38, 1-based): chr3:121,487,863, C>T on the plus strand (G>A on the coding strand, the complement: POLQ is on the minus strand). VCF-style: chr3-121487863-C-T. GRCh37 (hg19) VCF-style: chr3-121206710-C-T.
Other names: short protein forms V1690M.
Identifiers: ClinVar variation 1745133 (VCV001745133.3), dbSNP rs2108797526, ClinGen allele CA354092109.
Genomic context (GRCh38, chr3:121,487,863, plus strand): 5'-TTTCTAGCATCTCAATCTTGCTTTTTACTTCATTATTAGAAGAAAATGAAATTCCCTGCA[C>T]TTGTTTTGTCTCCAAGTTTGAAATAACTTCTTGTTCTTCATTTAACTCTGTATTTTTTCT-3'
Protein context (NP_955452.3, residues 1680-1700): EVISNLETKQ[Val1690Met]QGISFSSNNE